The following is an entry in ClinVar:

NM_000827.4(GRIA1):c.128G>A (p.Arg43Lys)

Gene: GRIA1 (glutamate ionotropic receptor AMPA type subunit 1; plus strand). Cytogenetic location: 5q33.2.
Variant type: single nucleotide variant.
Coding change: c.128G>A on transcript NM_000827.4 (MANE Select); coding-DNA position 128, G replaced by A.
Protein change: p.Arg43Lys; replaces arginine 43 with lysine.
Molecular consequence: missense variant. On other transcripts: 5 prime UTR variant (3), non-coding transcript variant (1).
Genome position (GRCh38, 1-based): chr5:153,493,973, G>A. VCF-style: chr5-153493973-G-A. GRCh37 (hg19) VCF-style: chr5-152873533-G-A.
Other names: c.128G>A, p.Arg43Lys (NM_001114183.2, NM_001258019.2, NM_001364165.2); c.-215G>A (NM_001258020.2); c.158G>A, p.Arg53Lys (NM_001258021.2, NM_001258022.2); c.-80G>A (NM_001258023.1, NM_001364167.2); c.155G>A, p.Arg52Lys (NM_001364166.2); short protein forms R43K, R52K, R53K.
Identifiers: ClinVar variation 4814080 (VCV004814080.1).

ClinVar aggregate classification (germline): Uncertain significance (1 of 4 stars; one submission).

Conditions:
Intellectual developmental disorder, autosomal dominant 67 (MRD67). Also called: MENTAL RETARDATION, AUTOSOMAL DOMINANT 67. Identifiers: MedGen C5677006, MONDO:0030964, OMIM 619927.

Submission:

OLLIN Analises Genomicas, OLLIN
Classification: Uncertain significance for Intellectual developmental disorder, autosomal dominant 67. Last evaluated: 2026-02-13. Review status: criteria provided, single submitter. Criteria: ACMG Guidelines 2015 PMID 25741868. Collection method: clinical testing. Allele origin: germline. Observed: 1 variant allele.
Comment: PM2_P, PP2